The following is an entry in ClinVar:

NM_006231.4(POLE):c.669G>C (p.Glu223Asp)

Gene: POLE (DNA polymerase epsilon, catalytic subunit; minus strand). Cytogenetic location: 12q24.33.
Variant type: single nucleotide variant.
Coding change: c.669G>C on transcript NM_006231.4 (MANE Select); coding-DNA position 669, G replaced by C.
Protein change: p.Glu223Asp; replaces glutamic acid 223 with aspartic acid.
Molecular consequence: missense variant.
Genome position (GRCh38, 1-based): chr12:132,677,629, C>G on the plus strand (G>C on the coding strand, the complement: POLE is on the minus strand). VCF-style: chr12-132677629-C-G. GRCh37 (hg19) VCF-style: chr12-133254215-C-G.
Other names: short protein forms E223D.
Identifiers: ClinVar variation 835666 (VCV000835666.9), dbSNP rs1035981192, ClinGen allele CA387364907.
Genomic context (GRCh38, chr12:132,677,629, plus strand): 5'-CCCACTCACCACGTGGATCTTCAGGTCAATGGAGAGGCGGATGTGGTAGGGAACATCGTA[C>G]TCGCGCATGTCCACAATGTTGTCCAACTGGTCAGCTATCTTCTTAGAGGTTTCCTCTTCA-3'
Protein context (NP_006222.2, residues 213-233): DQLDNIVDMR[Glu223Asp]YDVPYHIRLS

ClinVar aggregate classification (germline): Uncertain significance (1 of 4 stars; one submission).

Submission:

Labcorp Genetics (formerly Invitae), Labcorp
Classification: Uncertain significance. Last evaluated: 2019-01-25. Review status: criteria provided, single submitter. Criteria: Invitae Variant Classification Sherloc (09022015). Collection method: clinical testing. Allele origin: germline.
Comment: In summary, the available evidence is currently insufficient to determine the role of this variant in disease. Therefore, it has been classified as a Variant of Uncertain Significance. Algorithms developed to predict the effect of missense changes on protein structure and function (SIFT, PolyPhen-2, Align-GVGD) all suggest that this variant is likely to be disruptive, but these predictions have not been confirmed by published functional studies and their clinical significance is uncertain. This variant has not been reported in the literature in individuals with POLE-related conditions. This variant is not present in population databases (ExAC no frequency). This sequence change replaces glutamic acid with aspartic acid at codon 223 of the POLE protein (p.Glu223Asp). The glutamic acid residue is highly conserved and there is a small physicochemical difference between glutamic acid and aspartic acid.